The following is an entry in ClinVar:

NM_001903.5(CTNNA1):c.446A>G (p.Lys149Arg)

Gene: CTNNA1 (catenin alpha 1; plus strand). Cytogenetic location: 5q31.2.
Variant type: single nucleotide variant.
Coding change: c.446A>G on transcript NM_001903.5 (MANE Select); coding-DNA position 446, A replaced by G.
Protein change: p.Lys149Arg; replaces lysine 149 with arginine.
Molecular consequence: missense variant.
Genome position (GRCh38, 1-based): chr5:138,810,182, A>G. VCF-style: chr5-138810182-A-G. GRCh37 (hg19) VCF-style: chr5-138145871-A-G.
Other names: c.446A>G, p.Lys149Arg (NM_001290307.3, NM_001323982.2, NM_001323983.1 and 3 more transcripts); c.137A>G, p.Lys46Arg (NM_001290309.3); c.77A>G, p.Lys26Arg (NM_001290310.3); short protein forms K149R, K26R, K46R.
Identifiers: ClinVar variation 1063025 (VCV001063025.12), dbSNP rs1015730449, ClinGen allele CA128219140.

ClinVar aggregate classification (germline): Conflicting classifications of pathogenicity. Review status: criteria provided, conflicting classifications (1 of 4 stars). 2 submissions from 2 submitters: Uncertain significance (1); Likely benign (1). Last evaluated 2025-12-26.

Conditions:
Hereditary cancer-predisposing syndrome. Also called: Hereditary Cancer Syndrome; Hereditary neoplastic syndrome; Neoplastic Syndromes, Hereditary; Tumor predisposition. Identifiers: Orphanet 140162, MedGen C0027672, MeSH D009386, MONDO:0015356.

Allele frequency attached by ClinVar (database versions not stated): gnomAD exomes below 0.00001.
gnomAD v4.1: 4 of 1,614,056 alleles (0.00025%); highest among the groups gnomAD compares: Middle Eastern, 0.016%; no homozygotes.

Submissions (2):

Labcorp Genetics (formerly Invitae), Labcorp
Classification: Uncertain significance. Last evaluated: 2025-12-26. Review status: criteria provided, single submitter. Criteria: Invitae Variant Classification Sherloc (09022015). Collection method: clinical testing. Allele origin: germline.
Comment: This sequence change replaces lysine, which is basic and polar, with arginine, which is basic and polar, at codon 149 of the CTNNA1 protein (p.Lys149Arg). This variant is present in population databases (no rsID available, gnomAD 0.003%). This variant has not been reported in the literature in individuals affected with CTNNA1-related conditions. ClinVar contains an entry for this variant (Variation ID: 1063025). Invitae Evidence Modeling of protein sequence and biophysical properties (such as structural, functional, and spatial information, amino acid conservation, physicochemical variation, residue mobility, and thermodynamic stability) indicates that this missense variant is not expected to disrupt CTNNA1 protein function with a negative predictive value of 80%. In summary, the available evidence is currently insufficient to determine the role of this variant in disease. Therefore, it has been classified as a Variant of Uncertain Significance.

Ambry Genetics
Classification: Likely benign for Hereditary cancer-predisposing syndrome. Last evaluated: 2024-04-26. Review status: criteria provided, single submitter. Criteria: Ambry Variant Classification Scheme 2023. Collection method: clinical testing. Allele origin: germline.